The following is an entry in ClinVar:

ClinVar aggregate classification (germline): Uncertain significance. Review status: criteria provided, multiple submitters, no conflicts (2 of 4 stars). 3 submissions from 3 submitters: Uncertain significance (3). Last evaluated 2024-03-15.

Conditions:
Dilated cardiomyopathy 1KK (CMD1KK). Identifiers: Orphanet 154, Orphanet 75249, MedGen C3714995, MONDO:0014100, OMIM 615248.
MYPN-related myopathy (CMYO24). Also called: Nemaline myopathy 11, autosomal recessive. Identifiers: MedGen C4479186, MONDO:0015023, OMIM 617336.
Cardiovascular phenotype. Identifiers: MedGen CN230736.

Allele frequency attached by ClinVar (database versions not stated): gnomAD 0.00001; TOPMed 0.00001; gnomAD exomes 0.00002 and 0.00006; ExAC 0.00007.
gnomAD v4.1: 25 of 1,614,028 alleles (0.0015%); highest among the groups gnomAD compares: South Asian, 0.013%; no homozygotes.

Submissions (3):

Ambry Genetics
Classification: Uncertain significance for Cardiovascular phenotype. Last evaluated: 2024-03-15. Review status: criteria provided, single submitter. Criteria: Ambry Variant Classification Scheme 2023. Collection method: clinical testing. Allele origin: germline.
Comment: The p.G1127R variant (also known as c.3379G>A), located in coding exon 16 of the MYPN gene, results from a G to A substitution at nucleotide position 3379. The glycine at codon 1127 is replaced by arginine, an amino acid with dissimilar properties. This amino acid position is conserved. In addition, this alteration is predicted to be deleterious by in silico analysis. Based on the available evidence, the clinical significance of this alteration remains unclear.

Labcorp Genetics (formerly Invitae), Labcorp
Classification: Uncertain significance for Dilated cardiomyopathy 1KK. Last evaluated: 2022-06-19. Review status: criteria provided, single submitter. Criteria: Invitae Variant Classification Sherloc (09022015). Collection method: clinical testing. Allele origin: germline.
Comment: In summary, the available evidence is currently insufficient to determine the role of this variant in disease. Therefore, it has been classified as a Variant of Uncertain Significance. Algorithms developed to predict the effect of missense changes on protein structure and function are either unavailable or do not agree on the potential impact of this missense change (SIFT: "Deleterious"; PolyPhen-2: "Probably Damaging"; Align-GVGD: "Class C15"). This variant has not been reported in the literature in individuals affected with MYPN-related conditions. This variant is present in population databases (rs752302519, gnomAD 0.03%). This sequence change replaces glycine, which is neutral and non-polar, with arginine, which is basic and polar, at codon 1127 of the MYPN protein (p.Gly1127Arg).

Fulgent Genetics
Classification: Uncertain significance for Dilated cardiomyopathy 1KK; MYPN-related myopathy. Last evaluated: 2021-09-03. Review status: criteria provided, single submitter. Criteria: ACMG Guidelines, 2015. Collection method: clinical testing. Allele origin: unknown.

NM_032578.4(MYPN):c.3379G>A (p.Gly1127Arg)

Gene: MYPN (myopalladin; plus strand). Cytogenetic location: 10q21.3.
Variant type: single nucleotide variant.
Coding change: c.3379G>A on transcript NM_032578.4 (MANE Select); coding-DNA position 3379, G replaced by A.
Protein change: p.Gly1127Arg; replaces glycine 1127 with arginine.
Molecular consequence: missense variant. On other transcripts: non-coding transcript variant (2).
Genome position (GRCh38, 1-based): chr10:68,199,461, G>A. VCF-style: chr10-68199461-G-A. GRCh37 (hg19) VCF-style: chr10-69959218-G-A.
Other names: c.3379G>A, p.Gly1127Arg (NM_001256267.2); c.2497G>A, p.Gly833Arg (NM_001256268.2); c.3379G>A (NM_032578.2); short protein forms G833R, G1127R.
Identifiers: ClinVar variation 1364909 (VCV001364909.8), dbSNP rs752302519, ClinGen allele CA5523032.
Genomic context (GRCh38, chr10:68,199,461, plus strand): 5'-CTACTCAATGGCCAACCTGTGCTACCAGATGCCTCCCACAAGATGCTGGTCAGGGAGACC[G>A]GAGTCCACTCTCTGCTCATTGACCCACTCACTCAGCGCGACGCAGGGACCTATAAGTGCA-3'
Protein context (NP_115967.2, residues 1117-1137): ASHKMLVRET[Gly1127Arg]VHSLLIDPLT